The following is an entry in ClinVar:

ClinVar aggregate classification (germline): Benign. Review status: criteria provided, multiple submitters, no conflicts (2 of 4 stars). 3 submissions from 3 submitters: Benign (2). 1 of the submissions does not count toward it. Last evaluated 2025-07-07.

Conditions:
SH2B3-related disorder. Also called: SH2B3-related condition.

Allele frequency attached by ClinVar (database versions not stated): 1000 Genomes Project 0.01198; 1000 Genomes Project 30x 0.01202; ExAC 0.00742; TOPMed 0.02708; gnomAD 0.02817; gnomAD exomes 0.04654.
gnomAD v4.1: 67,934 of 1,535,548 alleles (4.4%); highest among the groups gnomAD compares: Non-Finnish European, 5.5%; 1,834 homozygotes.

Submissions (3):

ARUP Laboratories, Molecular Genetics and Genomics, ARUP Laboratories
Classification: Benign. Last evaluated: 2025-07-07. Review status: criteria provided, single submitter. Criteria: ARUP Molecular Germline Variant Investigation Process 2024. Collection method: clinical testing. Allele origin: germline.

Mayo Clinic Laboratories, Mayo Clinic
Classification: Benign. Last evaluated: 2023-06-02. Review status: criteria provided, single submitter. Criteria: ACMG Guidelines, 2015. Collection method: clinical testing. Allele origin: germline. Observed: 24 variant alleles.
Comment: BS1, BS2, BP4_strong

PreventionGenetics, part of Exact Sciences
Classification: Benign for SH2B3-related condition. Last evaluated: 2019-08-19. Review status: no assertion criteria provided. Collection method: clinical testing. Allele origin: germline. Not counted in ClinVar's aggregate classification.
Comment: This variant is classified as benign based on ACMG/AMP sequence variant interpretation guidelines (Richards et al. 2015 PMID: 25741868, with internal and published modifications).

NM_005475.3(SH2B3):c.733-11835T>C

Gene: SH2B3 (SH2B adaptor protein 3; plus strand). Cytogenetic location: 12q24.12.
Variant type: single nucleotide variant.
Coding change: c.733-11835T>C on transcript NM_005475.3 (MANE Select); 11835 bases into the intron before coding-DNA position 733, T replaced by C.
Molecular consequence: intron variant. On other transcripts: missense variant (1).
Genome position (GRCh38, 1-based): chr12:111,434,918, T>C. VCF-style: chr12-111434918-T-C. GRCh37 (hg19) VCF-style: chr12-111872722-T-C.
Other names: p.Leu6Pro; c.17T>C, p.Leu6Pro (NM_001291424.1); short protein forms L6P.
Identifiers: ClinVar variation 2920764 (VCV002920764.6), dbSNP rs12371484, ClinGen allele CA6789702.